The following is an entry in ClinVar:

ClinVar aggregate classification (germline): Uncertain significance. Review status: criteria provided, multiple submitters, no conflicts (2 of 4 stars). 2 submissions from 2 submitters: Uncertain significance (2). Last evaluated 2025-05-26.

Conditions:
Inborn genetic diseases. Identifiers: MedGen C0950123, MeSH D030342.
Hawkinsinuria. Identifiers: Orphanet 2118, MedGen C2931042, MONDO:0007700, OMIM 140350, HP:0034457.
Tyrosinemia type III. Also called: 4-HYDROXYPHENYLPYRUVIC ACID OXIDASE DEFICIENCY; Tyrosinemia type 3; 4-alpha hydroxyphenylpyruvic acid oxidase deficiency; 4-alpha hydroxyphenylpyruvate dioxygenase deficiency; 4-Hydroxyphenylpyruvate dioxygenase deficiency. Identifiers: Orphanet 69723, MedGen C0268623, MONDO:0010162, OMIM 276710.

Allele frequency attached by ClinVar (database versions not stated): gnomAD 0.00001; TOPMed 0.00001; ExAC 0.00002; gnomAD exomes 0.00003.
gnomAD v4.1: 12 of 1,614,054 alleles (0.00074%); highest among the groups gnomAD compares: Admixed American, 0.015%; no homozygotes.

Submissions (2):

Ambry Genetics
Classification: Uncertain significance for Inborn genetic diseases. Last evaluated: 2025-05-26. Review status: criteria provided, single submitter. Criteria: Ambry Variant Classification Scheme 2023. Collection method: clinical testing. Allele origin: germline.

Labcorp Genetics (formerly Invitae), Labcorp
Classification: Uncertain significance for Tyrosinemia type III; Hawkinsinuria. Last evaluated: 2022-10-03. Review status: criteria provided, single submitter. Criteria: Invitae Variant Classification Sherloc (09022015). Collection method: clinical testing. Allele origin: germline.
Comment: This sequence change replaces lysine, which is basic and polar, with arginine, which is basic and polar, at codon 369 of the HPD protein (p.Lys369Arg). This variant is present in population databases (rs777094600, gnomAD 0.02%). This variant has not been reported in the literature in individuals affected with HPD-related conditions. ClinVar contains an entry for this variant (Variation ID: 1061349). Advanced modeling of protein sequence and biophysical properties (such as structural, functional, and spatial information, amino acid conservation, physicochemical variation, residue mobility, and thermodynamic stability) performed at Invitae indicates that this missense variant is not expected to disrupt HPD protein function. Algorithms developed to predict the effect of sequence changes on RNA splicing suggest that this variant may create or strengthen a splice site. In summary, the available evidence is currently insufficient to determine the role of this variant in disease. Therefore, it has been classified as a Variant of Uncertain Significance.

NM_002150.3(HPD):c.1106A>G (p.Lys369Arg)

Genes: HPD (4-hydroxyphenylpyruvate dioxygenase; minus strand), TIALD (transcript inducer of AURKA lysosomal degradation; plus strand). Cytogenetic location: 12q24.31.
Variant type: single nucleotide variant.
Coding change: c.1106A>G on transcript NM_002150.3 (MANE Select); coding-DNA position 1106, A replaced by G.
Protein change: p.Lys369Arg; replaces lysine 369 with arginine.
Molecular consequence: missense variant.
Genome position (GRCh38, 1-based): chr12:121,839,804, T>C on the plus strand (A>G on the coding strand, the complement: HPD is on the minus strand). VCF-style: chr12-121839804-T-C. GRCh37 (hg19) VCF-style: chr12-122277710-T-C.
Other names: c.989A>G, p.Lys330Arg (NM_001171993.2); c.1106A>G (NM_002150.2); short protein forms K330R, K369R.
Identifiers: ClinVar variation 1061349 (VCV001061349.7), dbSNP rs777094600, ClinGen allele CA6839414.